The following is an entry in ClinVar:

ClinVar aggregate classification (germline): Pathogenic. Review status: reviewed by expert panel (3 of 4 stars). 4 submissions from 4 submitters: Pathogenic (1). 3 of the submissions do not count toward it. Last evaluated 2016-09-08.

Conditions:
Hereditary cancer-predisposing syndrome. Also called: Tumor predisposition; Hereditary Cancer Syndrome; Hereditary neoplastic syndrome; Neoplastic Syndromes, Hereditary. Identifiers: Orphanet 140162, MedGen C0027672, MeSH D009386, MONDO:0015356.
Hereditary breast ovarian cancer syndrome. Also called: Hereditary breast and ovarian cancer; Breast and ovarian cancer; BRCA1- and BRCA2-Associated Hereditary Breast and Ovarian Cancer; Hereditary breast and ovarian cancer syndrome; Hereditary breast and ovarian cancer syndrome (HBOC); Hereditary breast and/or ovarian cancer syndrome. Identifiers: Orphanet 145, MedGen C0677776, MeSH D061325, MONDO:0003582. Disease mechanism: loss of function.
Breast-ovarian cancer, familial, susceptibility to, 2 (BROVCA2). Also called: BRCA2 Hereditary Breast and Ovarian Cancer. Identifiers: Orphanet 145, MedGen C2675520, MONDO:0012933, OMIM 612555. Disease mechanism: loss of function.

Submissions (4):

Evidence-based Network for the Interpretation of Germline Mutant Alleles (ENIGMA)
Classification: Pathogenic for Breast-ovarian cancer, familial, susceptibility to, 2. Last evaluated: 2016-09-08. Review status: reviewed by expert panel. Criteria: ENIGMA BRCA1/2 Classification Criteria (2015). Collection method: curation. Allele origin: germline.
Comment: Variant allele predicted to encode a truncated non-functional protein.

Quest Diagnostics Nichols Institute San Juan Capistrano
Classification: Pathogenic. Last evaluated: 2023-06-14. Review status: criteria provided, single submitter. Criteria: Quest Diagnostics criteria. Collection method: clinical testing. Allele origin: unknown. Not counted in ClinVar's aggregate classification.
Comment: The BRCA2 c.342_343del (p.His114Glnfs*9) variant alters the translational reading frame of the BRCA2 mRNA and causes the premature termination of BRCA2 protein synthesis. This variant has been reported in the published literature in an individual with a BRCA2 related disorder (PMID: 29483665 (2018)). This variant has not been reported in large, multi-ethnic general populations (Genome Aggregation Database). Based on the available information, this variant is classified as pathogenic.

Labcorp Genetics (formerly Invitae), Labcorp
Classification: Pathogenic for Hereditary breast ovarian cancer syndrome. Last evaluated: 2021-12-09. Review status: criteria provided, single submitter. Criteria: Invitae Variant Classification Sherloc (09022015). Collection method: clinical testing. Allele origin: germline. Not counted in ClinVar's aggregate classification.
Comment: For these reasons, this variant has been classified as Pathogenic. This sequence change creates a premature translational stop signal (p.His114Glnfs*9) in the BRCA2 gene. It is expected to result in an absent or disrupted protein product. Loss-of-function variants in BRCA2 are known to be pathogenic (PMID: 20104584). This variant is not present in population databases (gnomAD no frequency). This premature translational stop signal has been observed in individual(s) with BRCA2-related conditions (PMID: 21520333). ClinVar contains an entry for this variant (Variation ID: 236850).

Ambry Genetics
Classification: Pathogenic for Hereditary cancer-predisposing syndrome. Last evaluated: 2017-11-03. Review status: criteria provided, single submitter. Criteria: Ambry Variant Classification Scheme 2023. Collection method: clinical testing. Allele origin: germline. Not counted in ClinVar's aggregate classification.
Comment: The c.342_343delTA pathogenic mutation, located in coding exon 3 of the BRCA2 gene, results from a deletion of two nucleotides at nucleotide positions 342 to 343, causing a translational frameshift with a predicted alternate stop codon (p.H114Qfs*9). This alteration is expected to result in loss of function by premature protein truncation or nonsense-mediated mRNA decay. As such, this alteration is interpreted as a disease-causing mutation.

Literature cited by the submitters: PubMed 29483665 (cited by Quest Diagnostics Nichols Institute San Juan Capistrano); PubMed 20104584 (cited by Labcorp Genetics (formerly Invitae), Labcorp); PubMed 21520333 (cited by Labcorp Genetics (formerly Invitae), Labcorp).

NM_000059.4(BRCA2):c.342_343del (p.His114fs)

Gene: BRCA2 (BRCA2 DNA repair associated; plus strand). Cytogenetic location: 13q13.1.
Variant type: Deletion.
Coding change: c.342_343del on transcript NM_000059.4 (MANE Select); coding-DNA positions 342 to 343, 2 bases deleted (TA; older notation c.342_343delTA).
Protein change: p.His114fs; shifts the reading frame from histidine 114.
Molecular consequence: frameshift variant.
Genome position (GRCh38, 1-based): chr13:32,325,101-32,325,102, TA deleted; deleting any 2 consecutive bases within chr13:32,325,100-32,325,102 gives the same sequence; the c. name uses the placement nearest the transcript's 3' end. VCF-style (leftmost placement, unchanged base first): chr13-32325099-CAT-C. GRCh37 (hg19) VCF-style: chr13-32899236-CAT-C.
Other names: c.342_343delTA (NM_000059.3); c.342_343del (NM_000059.3); short protein forms H114fs.
Identifiers: ClinVar variation 236850 (VCV000236850.12), dbSNP rs878853568, ClinGen allele CA10583065.